The following is an entry in ClinVar:

NM_002470.4(MYH3):c.1904del (p.Lys635fs)

Gene: MYH3 (myosin heavy chain 3; minus strand). Cytogenetic location: 17p13.1.
Variant type: Deletion.
Coding change: c.1904del on transcript NM_002470.4 (MANE Select); coding-DNA position 1904, one base deleted (A; older notation c.1904delA).
Protein change: p.Lys635fs; shifts the reading frame from lysine 635.
Molecular consequence: frameshift variant.
Genome position (GRCh38, 1-based): chr17:10,642,295, T deleted on the plus strand (A on the coding strand, the reverse complement: MYH3 is on the minus strand); the first of 2 consecutive T bases (chr17:10,642,295-10,642,296); deleting either gives the same sequence. VCF-style (leftmost placement, unchanged base first): chr17-10642294-CT-C. GRCh37 (hg19) VCF-style: chr17-10545611-CT-C.
Other names: short protein forms K635fs.
Identifiers: ClinVar variation 3690534 (VCV003690534.2).

ClinVar aggregate classification (germline): Pathogenic (1 of 4 stars; one submission).

Submission:

Labcorp Genetics (formerly Invitae), Labcorp
Classification: Pathogenic. Last evaluated: 2024-10-30. Review status: criteria provided, single submitter. Criteria: Invitae Variant Classification Sherloc (09022015). Collection method: clinical testing. Allele origin: germline.
Comment: This sequence change creates a premature translational stop signal (p.Lys635Argfs*22) in the MYH3 gene. It is expected to result in an absent or disrupted protein product. Loss-of-function variants in MYH3 are known to be pathogenic (PMID: 29805041, 30008475). This variant is present in population databases (rs756183345, gnomAD 0.003%). This variant has not been reported in the literature in individuals affected with MYH3-related conditions. For these reasons, this variant has been classified as Pathogenic.

Literature cited by the submitters: PubMed 29805041; PubMed 30008475.